The following is an entry in ClinVar:

ClinVar aggregate classification (germline): Likely benign. Review status: criteria provided, multiple submitters, no conflicts (2 of 4 stars). 2 submissions from 2 submitters: Likely benign (2). Last evaluated 2023-10-06.

Conditions:
Cardiac arrhythmia. Also called: Arrhythmia; Cardiac rhythm disease. Identifiers: MedGen C0003811, MONDO:0007263, HP:0011675.
Long QT syndrome (LQTS). Identifiers: MedGen C0023976, MeSH D008133, MONDO:0002442. Disease mechanism: loss of function. Inheritance: Various modes of inheritance.

gnomAD v4.1: 3 of 1,613,792 alleles (0.00019%); highest among the groups gnomAD compares: Non-Finnish European, 0.00025%; no homozygotes.

Submissions (2):

All of Us Research Program, National Institutes of Health
Classification: Likely benign for Long QT syndrome. Last evaluated: 2023-10-06. Review status: criteria provided, single submitter. Criteria: ACMG Guidelines, 2015. Collection method: clinical testing. Allele origin: germline. Inheritance: Autosomal dominant inheritance. Observed: 1 variant allele, 1 heterozygote.
Comment: This study involves interpretation of variants in research participants for the purpose of population health screening. Participant phenotype was not available at the time of variant classification. Additional details can be found in publication PMID: 35346344, PMCID: PMC8962531

Color Diagnostics, LLC DBA Color Health
Classification: Likely benign for Cardiac arrhythmia. Last evaluated: 2020-12-14. Review status: criteria provided, single submitter. Criteria: ACMG Guidelines, 2015. Collection method: clinical testing. Allele origin: germline.

NM_000218.3(KCNQ1):c.387-3C>T

Gene: KCNQ1 (potassium voltage-gated channel subfamily Q member 1; plus strand). Cytogenetic location: 11p15.5.
Variant type: single nucleotide variant.
Coding change: c.387-3C>T on transcript NM_000218.3 (MANE Select); 3 bases into the intron before coding-DNA position 387, C replaced by T.
Molecular consequence: intron variant.
Genome position (GRCh38, 1-based): chr11:2,527,925, C>T. VCF-style: chr11-2527925-C-T. GRCh37 (hg19) VCF-style: chr11-2549155-C-T.
Other names: c.117-3C>T (NM_001406837.1); c.387-3C>T (NM_001406836.1, NM_001406838.1); c.6-3C>T (NM_181798.2).
Identifiers: ClinVar variation 1171963 (VCV001171963.6), dbSNP rs1460161223, ClinGen allele CA597101110.